The following is an entry in ClinVar:

ClinVar aggregate classification (germline): Uncertain significance (1 of 4 stars; one submission).

Conditions:
Kleefstra syndrome 1 (KLEFS1). Identifiers: Orphanet 261494, MedGen C0795833, MONDO:0027407, OMIM 610253.

gnomAD v4.1: 1 of 1,610,784 alleles (0.000062%); no homozygotes.

Submission:

Labcorp Genetics (formerly Invitae), Labcorp
Classification: Uncertain significance for Kleefstra syndrome 1. Last evaluated: 2024-04-16. Review status: criteria provided, single submitter. Criteria: Invitae Variant Classification Sherloc (09022015). Collection method: clinical testing. Allele origin: germline.
Comment: This sequence change replaces leucine, which is neutral and non-polar, with valine, which is neutral and non-polar, at codon 179 of the EHMT1 protein (p.Leu179Val). This variant is not present in population databases (gnomAD no frequency). This variant has not been reported in the literature in individuals affected with EHMT1-related conditions. An algorithm developed to predict the effect of missense changes on protein structure and function (PolyPhen-2) suggests that this variant is likely to be tolerated. In summary, the available evidence is currently insufficient to determine the role of this variant in disease. Therefore, it has been classified as a Variant of Uncertain Significance.

NM_024757.5(EHMT1):c.535C>G (p.Leu179Val)

Gene: EHMT1 (euchromatic histone lysine methyltransferase 1; plus strand). Cytogenetic location: 9q34.3.
Variant type: single nucleotide variant.
Coding change: c.535C>G on transcript NM_024757.5 (MANE Select); coding-DNA position 535, C replaced by G.
Protein change: p.Leu179Val; replaces leucine 179 with valine.
Molecular consequence: missense variant.
Genome position (GRCh38, 1-based): chr9:137,717,075, C>G. VCF-style: chr9-137717075-C-G. GRCh37 (hg19) VCF-style: chr9-140611527-C-G.
Other names: c.535C>G, p.Leu179Val (NM_001145527.2, NM_001354263.2, NM_001354611.2); c.442C>G, p.Leu148Val (NM_001354259.2, NM_001354612.2); short protein forms L148V, L179V.
Identifiers: ClinVar variation 3650117 (VCV003650117.2).
Genomic context (GRCh38, chr9:137,717,075, plus strand): 5'-GCTGGCAAAGGCAGGACTCCAAGCGCTTTTCCCCAGACGCCAGCCGCCCCACCAGCCACC[C>G]TTGGGGAGGGGAGTGCTGACACAGAGGACAGGAAGCTCCCGGCCCCTGGCGCCGACGTCA-3'
Protein context (NP_079033.4, residues 169-189): PQTPAAPPAT[Leu179Val]GEGSADTEDR